The following is an entry in ClinVar:

NM_001843.4(CNTN1):c.643A>G (p.Ser215Gly)

Gene: CNTN1 (contactin 1; plus strand). Cytogenetic location: 12q12.
Variant type: single nucleotide variant.
Coding change: c.643A>G on transcript NM_001843.4 (MANE Select); coding-DNA position 643, A replaced by G.
Protein change: p.Ser215Gly; replaces serine 215 with glycine.
Molecular consequence: missense variant.
Genome position (GRCh38, 1-based): chr12:40,929,942, A>G. VCF-style: chr12-40929942-A-G. GRCh37 (hg19) VCF-style: chr12-41323744-A-G.
Other names: c.643A>G (NM_001843.2); c.643A>G, p.Ser215Gly (NM_001256063.2, NM_001256064.2); c.610A>G, p.Ser204Gly (NM_175038.2); short protein forms S215G, S204G.
Identifiers: ClinVar variation 537191 (VCV000537191.12), dbSNP rs138639141, ClinGen allele CA6516661.

ClinVar aggregate classification (germline): Uncertain significance. Review status: criteria provided, multiple submitters, no conflicts (2 of 4 stars). 3 submissions from 3 submitters: Uncertain significance (3). Last evaluated 2025-07-13.

Conditions:
Inborn genetic diseases. Identifiers: MedGen C0950123, MeSH D030342.
Compton-North congenital myopathy (CMYO12). Identifiers: Orphanet 210163, MedGen C2675527, MONDO:0012929, OMIM 612540.

Allele frequency attached by ClinVar (database versions not stated): ExAC 0.00010; gnomAD exomes 0.00011 and 0.00042; TOPMed 0.00012; gnomAD 0.00013 and 0.00015; ESP Exome Variant Server 0.00031.
gnomAD v4.1: 608 of 1,612,852 alleles (0.038%); highest among the groups gnomAD compares: Non-Finnish European, 0.051%; 2 homozygotes.

Submissions (3):

Ambry Genetics
Classification: Uncertain significance for Inborn genetic diseases. Last evaluated: 2025-07-13. Review status: criteria provided, single submitter. Criteria: Ambry Variant Classification Scheme 2023. Collection method: clinical testing. Allele origin: germline.

Labcorp Genetics (formerly Invitae), Labcorp
Classification: Uncertain significance for Compton-North congenital myopathy. Last evaluated: 2022-10-13. Review status: criteria provided, single submitter. Criteria: Invitae Variant Classification Sherloc (09022015). Collection method: clinical testing. Allele origin: germline.
Comment: This sequence change replaces serine, which is neutral and polar, with glycine, which is neutral and non-polar, at codon 215 of the CNTN1 protein (p.Ser215Gly). This variant is present in population databases (rs138639141, gnomAD 0.02%). This variant has not been reported in the literature in individuals affected with CNTN1-related conditions. ClinVar contains an entry for this variant (Variation ID: 537191). Advanced modeling of protein sequence and biophysical properties (such as structural, functional, and spatial information, amino acid conservation, physicochemical variation, residue mobility, and thermodynamic stability) performed at Invitae indicates that this missense variant is not expected to disrupt CNTN1 protein function. In summary, the available evidence is currently insufficient to determine the role of this variant in disease. Therefore, it has been classified as a Variant of Uncertain Significance.

GeneDx
Classification: Uncertain significance. Last evaluated: 2021-03-02. Review status: criteria provided, single submitter. Criteria: GeneDx Variant Classification Process June 2021. Collection method: clinical testing. Allele origin: germline. Affected: yes.
Comment: Has not been previously published as pathogenic or benign to our knowledge; In silico analysis, which includes protein predictors and evolutionary conservation, supports that this variant does not alter protein structure/function